The following is an entry in ClinVar:

NM_001256627.2(BRSK2):c.849T>C (p.Ile283=)

Gene: BRSK2 (BR serine/threonine kinase 2; plus strand). Cytogenetic location: 11p15.5.
Variant type: single nucleotide variant.
Coding change: c.849T>C on transcript NM_001256627.2 (MANE Select); coding-DNA position 849, T replaced by C.
Protein change: p.Ile283=; no amino-acid change (isoleucine 283 retained).
Molecular consequence: synonymous variant. On other transcripts: non-coding transcript variant (1).
Genome position (GRCh38, 1-based): chr11:1,445,330, T>C. VCF-style: chr11-1445330-T-C. GRCh37 (hg19) VCF-style: chr11-1466560-T-C.
Other names: c.849T>C, p.Ile283= (NM_001256629.2, NM_003957.4); c.987T>C, p.Ile329= (NM_001256630.1); c.669T>C, p.Ile223= (NM_001282218.2).
Identifiers: ClinVar variation 2641323 (VCV002641323.24), dbSNP rs2539539017, ClinGen allele CA472456634.

ClinVar aggregate classification (germline): Likely benign (1 of 4 stars; one submission).

Submission:

CeGaT Center for Human Genetics Tuebingen
Classification: Likely benign. Last evaluated: 2023-10-01. Review status: criteria provided, single submitter. Criteria: CeGaT Center For Human Genetics Tuebingen Variant Classification Criteria Version 2. Collection method: clinical testing. Allele origin: germline. Affected: yes. Observed: 1 variant allele.
Comment: BRSK2: PM2:Supporting, BP4, BP7